The following is an entry in ClinVar:

ClinVar aggregate classification (germline): Uncertain significance (1 of 4 stars; one submission).

gnomAD v4.1: 4 of 1,613,858 alleles (0.00025%); highest among the groups gnomAD compares: African/African-American, 0.004%; no homozygotes.

Submission:

Labcorp Genetics (formerly Invitae), Labcorp
Classification: Uncertain significance. Last evaluated: 2024-10-16. Review status: criteria provided, single submitter. Criteria: Invitae Variant Classification Sherloc (09022015). Collection method: clinical testing. Allele origin: germline.
Comment: This sequence change replaces valine, which is neutral and non-polar, with phenylalanine, which is neutral and non-polar, at codon 115 of the PLA2G5 protein (p.Val115Phe). This variant is present in population databases (no rsID available, gnomAD 0.007%). This variant has not been reported in the literature in individuals affected with PLA2G5-related conditions. ClinVar contains an entry for this variant (Variation ID: 1042265). An algorithm developed to predict the effect of missense changes on protein structure and function (PolyPhen-2) suggests that this variant is likely to be disruptive. In summary, the available evidence is currently insufficient to determine the role of this variant in disease. Therefore, it has been classified as a Variant of Uncertain Significance.

NM_000929.3(PLA2G5):c.343G>T (p.Val115Phe)

Gene: PLA2G5 (phospholipase A2 group V; plus strand). Cytogenetic location: 1p36.13.
Variant type: single nucleotide variant.
Coding change: c.343G>T on transcript NM_000929.3 (MANE Select); coding-DNA position 343, G replaced by T.
Protein change: p.Val115Phe; replaces valine 115 with phenylalanine.
Molecular consequence: missense variant.
Genome position (GRCh38, 1-based): chr1:20,090,618, G>T. VCF-style: chr1-20090618-G-T. GRCh37 (hg19) VCF-style: chr1-20417111-G-T.
Other names: short protein forms V115F.
Identifiers: ClinVar variation 1042265 (VCV001042265.8), dbSNP rs183088076, ClinGen allele CA338822863.